The following is an entry in ClinVar:

NM_001046.3(SLC12A2):c.744C>G (p.Asp248Glu)

Gene: SLC12A2 (solute carrier family 12 member 2; plus strand). Cytogenetic location: 5q23.3.
Variant type: single nucleotide variant.
Coding change: c.744C>G on transcript NM_001046.3 (MANE Select); coding-DNA position 744, C replaced by G.
Protein change: p.Asp248Glu; replaces aspartic acid 248 with glutamic acid.
Molecular consequence: missense variant. On other transcripts: non-coding transcript variant (1).
Genome position (GRCh38, 1-based): chr5:128,084,698, C>G. VCF-style: chr5-128084698-C-G. GRCh37 (hg19) VCF-style: chr5-127420390-C-G.
Other names: c.744C>G, p.Asp248Glu (NM_001256461.2); c.744C>G (NM_001046.2); short protein forms D248E.
Identifiers: ClinVar variation 2177690 (VCV002177690.10), dbSNP rs368335273, ClinGen allele CA3392877.

ClinVar aggregate classification (germline): Conflicting classifications of pathogenicity. Review status: criteria provided, conflicting classifications (1 of 4 stars). 4 submissions from 4 submitters: Uncertain significance (3); Likely benign (1). Last evaluated 2026-06-28.

Conditions:
SLC12A2-related disorder. Also called: SLC12A2-related disorders; SLC12A2-related condition.
Inborn genetic diseases. Identifiers: MedGen C0950123, MeSH D030342.

Allele frequency attached by ClinVar (database versions not stated): ESP Exome Variant Server 0.00008; gnomAD 0.00009; ExAC 0.00028.
gnomAD v4.1: 138 of 1,598,336 alleles (0.0086%); highest among the groups gnomAD compares: Non-Finnish European, 0.0097%; no homozygotes.

Submissions (4):

PreventionGenetics, part of Exact Sciences
Classification: Uncertain significance for SLC12A2-related condition. Last evaluated: 2026-06-28. Review status: criteria provided, single submitter. Criteria: ACMG Guidelines, 2015. Collection method: clinical testing. Allele origin: germline.
Comment: The SLC12A2 c.744C>G variant is predicted to result in the amino acid substitution p.Asp248Glu. To our knowledge, this variant has not been reported in the literature. This variant is reported in 0.029% of alleles in individuals of European (Non-Finnish) descent in gnomAD. At this time, the clinical significance of this variant is uncertain due to the absence of conclusive functional and genetic evidence.

CeGaT Center for Human Genetics Tuebingen
Classification: Uncertain significance. Last evaluated: 2026-02-01. Review status: criteria provided, single submitter. Criteria: CeGaT Center For Human Genetics Tuebingen Variant Classification Criteria Version 2. Collection method: clinical testing. Allele origin: germline. Affected: yes. Observed: 1 variant allele.
Comment: SLC12A2: PM2

Labcorp Genetics (formerly Invitae), Labcorp
Classification: Likely benign. Last evaluated: 2025-11-04. Review status: criteria provided, single submitter. Criteria: Invitae Variant Classification Sherloc (09022015). Collection method: clinical testing. Allele origin: germline.

Ambry Genetics
Classification: Uncertain significance for Inborn genetic diseases. Last evaluated: 2022-05-31. Review status: criteria provided, single submitter. Criteria: Ambry Variant Classification Scheme 2023. Collection method: clinical testing. Allele origin: germline.